The following is an entry in ClinVar:

NM_000069.3(CACNA1S):c.5345C>G (p.Pro1782Arg)

Gene: CACNA1S (calcium voltage-gated channel subunit alpha1 S; minus strand). Cytogenetic location: 1q32.1.
Variant type: single nucleotide variant.
Coding change: c.5345C>G on transcript NM_000069.3 (MANE Select); coding-DNA position 5345, C replaced by G.
Protein change: p.Pro1782Arg; replaces proline 1782 with arginine.
Molecular consequence: missense variant.
Genome position (GRCh38, 1-based): chr1:201,040,256, G>C on the plus strand (C>G on the coding strand, the complement: CACNA1S is on the minus strand). VCF-style: chr1-201040256-G-C. GRCh37 (hg19) VCF-style: chr1-201009384-G-C.
Other names: short protein forms P1782R.
Identifiers: ClinVar variation 3073921 (VCV003073921.1), dbSNP rs1161249413, ClinGen allele CA344130431.

ClinVar aggregate classification (germline): Uncertain significance (1 of 4 stars; one submission).

Conditions:
Malignant hyperthermia, susceptibility to, 5 (MHS5). Also called: CACNA1S-Related Malignant Hyperthermia Susceptibility. Identifiers: Orphanet 423, MedGen C1866077, MONDO:0011163, OMIM 601887.

gnomAD v4.1: 1 of 1,613,766 alleles (0.000062%); highest among the groups gnomAD compares: Non-Finnish European, 0.000085%; no homozygotes.

Submission:

All of Us Research Program, National Institutes of Health
Classification: Uncertain significance for Malignant hyperthermia, susceptibility to, 5. Last evaluated: 2023-11-30. Review status: criteria provided, single submitter. Criteria: ACMG Guidelines, 2015. Collection method: clinical testing. Allele origin: germline. Inheritance: Autosomal dominant inheritance. Observed: 1 variant allele, 1 heterozygote.
Comment: This study involves interpretation of variants in research participants for the purpose of population health screening. Participant phenotype was not available at the time of variant classification. Additional details can be found in publication PMID: 35346344, PMCID: PMC8962531